The following is an entry in ClinVar:

NM_152309.3(PIK3AP1):c.1930C>T (p.Arg644Cys)

Gene: PIK3AP1 (phosphoinositide-3-kinase adaptor protein 1; minus strand). Cytogenetic location: 10q24.1.
Variant type: single nucleotide variant.
Coding change: c.1930C>T on transcript NM_152309.3 (MANE Select); coding-DNA position 1930, C replaced by T.
Protein change: p.Arg644Cys; replaces arginine 644 with cysteine.
Molecular consequence: missense variant.
Genome position (GRCh38, 1-based): chr10:96,620,363, G>A on the plus strand (C>T on the coding strand, the complement: PIK3AP1 is on the minus strand). VCF-style: chr10-96620363-G-A. GRCh37 (hg19) VCF-style: chr10-98380120-G-A.
Other names: short protein forms R644C.
Identifiers: ClinVar variation 2889368 (VCV002889368.3), dbSNP rs775458651, ClinGen allele CA5626131.

ClinVar aggregate classification (germline): Uncertain significance (1 of 4 stars; one submission).

Conditions:
Infantile spasms. Also called: Infantile spasm. Identifiers: MedGen C3887898, HP:0012469.

Allele frequency attached by ClinVar (database versions not stated): ExAC 0.00002.
gnomAD v4.1: 4 of 1,613,986 alleles (0.00025%); highest among the groups gnomAD compares: East Asian, 0.0022%; no homozygotes.

Submission:

Labcorp Genetics (formerly Invitae), Labcorp
Classification: Uncertain significance for Infantile spasms. Last evaluated: 2023-06-20. Review status: criteria provided, single submitter. Criteria: Invitae Variant Classification Sherloc (09022015). Collection method: clinical testing. Allele origin: germline.
Comment: In summary, the available evidence is currently insufficient to determine the role of this variant in disease. Therefore, it has been classified as a Variant of Uncertain Significance. An algorithm developed to predict the effect of missense changes on protein structure and function (PolyPhen-2) suggests that this variant is likely to be disruptive. This variant has not been reported in the literature in individuals affected with PIK3AP1-related conditions. This variant is present in population databases (rs775458651, gnomAD 0.006%). This sequence change replaces arginine, which is basic and polar, with cysteine, which is neutral and slightly polar, at codon 644 of the PIK3AP1 protein (p.Arg644Cys).